The following is an entry in ClinVar:

NM_001848.3(COL6A1):c.957+6C>G

Gene: COL6A1 (collagen type VI alpha 1 chain; plus strand). Cytogenetic location: 21q22.3.
Variant type: single nucleotide variant.
Coding change: c.957+6C>G on transcript NM_001848.3 (MANE Select); 6 bases into the intron after coding-DNA position 957, C replaced by G.
Molecular consequence: intron variant.
Genome position (GRCh38, 1-based): chr21:45,990,290, C>G. VCF-style: chr21-45990290-C-G. GRCh37 (hg19) VCF-style: chr21-47410204-C-G.
Identifiers: ClinVar variation 284584 (VCV000284584.15), dbSNP rs374926748, ClinGen allele CA10604845.

ClinVar aggregate classification (germline): Conflicting classifications of pathogenicity. Review status: criteria provided, conflicting classifications (1 of 4 stars). 2 submissions from 2 submitters: Likely pathogenic (1); Uncertain significance (1). Last evaluated 2021-02-13.

Conditions:
Bethlem myopathy 1A. Also called: Bethlem myopathy 1; MYOPATHY, BENIGN CONGENITAL, WITH CONTRACTURES; Bethlem Muscular Dystrophy. Identifiers: Orphanet 610, MedGen CN029274, MONDO:0024530, OMIM 158810.
Ullrich congenital muscular dystrophy 1A. Also called: Ullrich congenital muscular dystrophy 1; Intermediate COL6-RD. Identifiers: Orphanet 75840, MedGen C0410179, MONDO:0009681, OMIM 254090.
Collagen 6-related myopathy. Identifiers: MedGen CN117976, MONDO:0100225.

Submissions (2):

Labcorp Genetics (formerly Invitae), Labcorp
Classification: Likely pathogenic for Bethlem myopathy 1A. Last evaluated: 2021-02-13. Review status: criteria provided, single submitter. Criteria: Invitae Variant Classification Sherloc (09022015). Collection method: clinical testing. Allele origin: germline.
Comment: In summary, the currently available evidence indicates that the variant is pathogenic, but additional data are needed to prove that conclusively. Therefore, this variant has been classified as Likely Pathogenic. Nucleotide substitutions within the consensus splice site are a relatively common cause of aberrant splicing (PMID: 17576681, 9536098). Algorithms developed to predict the effect of sequence changes on RNA splicing suggest that this variant is not likely to affect RNA splicing, but this prediction has not been confirmed by published transcriptional studies. This variant has been observed in individual(s) with clinical features of COL6A1-related conditions (Invitae). In at least one individual the variant was observed to be de novo. ClinVar contains an entry for this variant (Variation ID: 284584). This variant is not present in population databases (ExAC no frequency). This sequence change falls in intron 12 of the COL6A1 gene. It does not directly change the encoded amino acid sequence of the COL6A1 protein. It affects a nucleotide within the consensus splice site of the intron.

Eurofins Ntd Llc (ga)
Classification: Uncertain significance. Last evaluated: 2016-03-24. Review status: criteria provided, single submitter. Criteria: EGL Classification Definitions 2015. Collection method: clinical testing. Allele origin: germline. Observed: 1 variant allele, 1 heterozygote.

Literature cited by the submitters: PubMed 17576681 (cited by Labcorp Genetics (formerly Invitae), Labcorp); PubMed 9536098 (cited by Labcorp Genetics (formerly Invitae), Labcorp).